The following is an entry in ClinVar:

NM_001042492.3(NF1):c.3624_3625del (p.Leu1208fs)

Gene: NF1 (neurofibromin 1; plus strand). Cytogenetic location: 17q11.2.
Variant type: Deletion.
Coding change: c.3624_3625del on transcript NM_001042492.3 (MANE Select); coding-DNA positions 3624 to 3625, 2 bases deleted (GG; older notation c.3624_3625delGG).
Protein change: p.Leu1208fs; shifts the reading frame from leucine 1208.
Molecular consequence: frameshift variant.
Genome position (GRCh38, 1-based): chr17:31,233,129-31,233,130, GG deleted. VCF-style (leftmost placement, unchanged base first): chr17-31233128-TGG-T. GRCh37 (hg19) VCF-style: chr17-29560146-TGG-T.
Other names: c.3624_3625del, p.Leu1208fs (NM_000267.4); short protein forms L1208fs.
Identifiers: ClinVar variation 4717023 (VCV004717023.1).

ClinVar aggregate classification (germline): Pathogenic (1 of 4 stars; one submission).

Conditions:
Neurofibromatosis, type 1 (NF1). Also called: NEUROFIBROMATOSIS, TYPE I, SOMATIC; VON RECKLINGHAUSEN DISEASE; Peripheral type neurofibromatosis; Neurofibromatosis, type I. Identifiers: Orphanet 636, MedGen C0027831, MONDO:0018975, OMIM 162200. Disease mechanism: loss of function.

Submission:

Labcorp Genetics (formerly Invitae), Labcorp
Classification: Pathogenic for Neurofibromatosis, type 1. Last evaluated: 2025-04-10. Review status: criteria provided, single submitter. Criteria: Invitae Variant Classification Sherloc (09022015). Collection method: clinical testing. Allele origin: germline.
Comment: This sequence change creates a premature translational stop signal (p.Leu1208Phefs*9) in the NF1 gene. It is expected to result in an absent or disrupted protein product. Loss-of-function variants in NF1 are known to be pathogenic (PMID: 10712197, 23913538). This variant is not present in population databases (gnomAD no frequency). This variant has not been reported in the literature in individuals affected with NF1-related conditions. For these reasons, this variant has been classified as Pathogenic.

Literature cited by the submitters: PubMed 10712197; PubMed 23913538.